The following is an entry in ClinVar:

NM_144698.5(ANKRD35):c.750G>C (p.Gln250His)

Gene: ANKRD35 (ankyrin repeat domain 35; minus strand). Cytogenetic location: 1q21.1.
Variant type: single nucleotide variant.
Coding change: c.750G>C on transcript NM_144698.5 (MANE Select); coding-DNA position 750, G replaced by C.
Protein change: p.Gln250His; replaces glutamine 250 with histidine.
Molecular consequence: missense variant.
Genome position (GRCh38, 1-based): chr1:145,874,188, C>G on the plus strand (G>C on the coding strand, the complement: ANKRD35 is on the minus strand). VCF-style: chr1-145874188-C-G. GRCh37 (hg19) VCF-style: chr1-145560893-G-C.
Other names: c.480G>C, p.Gln160His (NM_001280799.2); c.750G>C (NM_144698.3); short protein forms Q160H, Q250H.
Identifiers: ClinVar variation 3250537 (VCV003250537.18), dbSNP rs149985268.
Genomic context (GRCh38, chr1:145,874,188, plus strand): 5'-AAAAGGGGGAGGCACTTAGGGTCTTACCTGGGATGCGAGATCTGGGTGCTGGACTAGCCT[C>G]TGACCTATAAGAAAAGATATGAGGAAAATGAGAGAGAAGACAGGTTCCATGTACTTCCAG-3'
Protein context (NP_653299.4, residues 240-260): QALSRRRRGG[Gln250His]RLVQHPDLAS

ClinVar aggregate classification (germline): Conflicting classifications of pathogenicity. Review status: criteria provided, conflicting classifications (1 of 4 stars). 2 submissions from 2 submitters: Uncertain significance (1); Likely benign (1). Last evaluated 2025-10-15.

Allele frequency attached by ClinVar (database versions not stated): 1000 Genomes Project 30x 0.00047; ESP Exome Variant Server 0.00054; 1000 Genomes Project 0.00060; TOPMed 0.00101; ExAC 0.00102; gnomAD 0.00103; gnomAD exomes 0.00155.
gnomAD v4.1: 2,417 of 1,614,018 alleles (0.15%); highest among the groups gnomAD compares: Middle Eastern, 0.28%; 4 homozygotes.

Submissions (2):

Ambry Genetics
Classification: Uncertain significance. Last evaluated: 2025-10-15. Review status: criteria provided, single submitter. Criteria: Ambry Variant Classification Scheme 2023. Collection method: clinical testing. Allele origin: germline.

CeGaT Center for Human Genetics Tuebingen
Classification: Likely benign. Last evaluated: 2024-06-01. Review status: criteria provided, single submitter. Criteria: CeGaT Center For Human Genetics Tuebingen Variant Classification Criteria Version 2. Collection method: clinical testing. Allele origin: germline. Affected: yes. Observed: 1 variant allele.
Comment: ANKRD35: BS2